The following is an entry in ClinVar:

NM_000548.5(TSC2):c.1070C>T (p.Ala357Val)

Gene: TSC2 (TSC complex subunit 2; plus strand). Cytogenetic location: 16p13.3.
Variant type: single nucleotide variant.
Coding change: c.1070C>T on transcript NM_000548.5 (MANE Select); coding-DNA position 1070, C replaced by T.
Protein change: p.Ala357Val; replaces alanine 357 with valine.
Molecular consequence: missense variant.
Genome position (GRCh38, 1-based): chr16:2,060,764, C>T. VCF-style: chr16-2060764-C-T. GRCh37 (hg19) VCF-style: chr16-2110765-C-T.
Other names: c.1070C>T, p.Ala357Val (NM_001077183.3, NM_001114382.3, NM_001363528.2 and 3 more transcripts); c.959C>T, p.Ala320Val (NM_001318827.2); c.923C>T, p.Ala308Val (NM_001318829.2); c.470C>T, p.Ala157Val (NM_001318831.2); c.1103C>T, p.Ala368Val (NM_001318832.2); short protein forms A357V, A308V, A320V, A157V, A368V.
Identifiers: ClinVar variation 41724 (VCV000041724.80), dbSNP rs150195368, ClinGen allele CA013675.

ClinVar aggregate classification (germline): Conflicting classifications of pathogenicity. Review status: criteria provided, conflicting classifications (1 of 4 stars). 20 submissions from 19 submitters: Uncertain significance (2); Benign (6); Likely benign (7). 5 of the submissions do not count toward it. Last evaluated 2026-07-01.

Conditions:
Hereditary cancer-predisposing syndrome. Also called: Neoplastic Syndromes, Hereditary; Hereditary neoplastic syndrome; Hereditary Cancer Syndrome; Tumor predisposition. Identifiers: Orphanet 140162, MedGen C0027672, MeSH D009386, MONDO:0015356.
Tuberous sclerosis syndrome (TSC). Also called: Tuberous sclerosis; Tuberous Sclerosis Complex. Identifiers: Orphanet 805, MedGen C0041341, MONDO:0001734.
Isolated focal cortical dysplasia type II (FCORD2). Also called: Focal cortical dysplasia type II; CORTICAL DYSPLASIA OF TAYLOR. Identifiers: Orphanet 268994, MedGen C1846385, MONDO:0011818, OMIM 607341, HP:0032051.
Tuberous sclerosis 2 (TSC2). Identifiers: Orphanet 805, MedGen C1860707, MONDO:0013199, OMIM 613254.

Allele frequency attached by ClinVar (database versions not stated): ESP Exome Variant Server 0.00031; TOPMed 0.00034; gnomAD exomes 0.00043 and 0.00059; gnomAD 0.00050 and 0.00052; ExAC 0.00047.
gnomAD v4.1: 938 of 1,613,962 alleles (0.058%); highest among the groups gnomAD compares: Middle Eastern, 0.15%; 3 homozygotes.

Submissions (25):

CeGaT Center for Human Genetics Tuebingen
Classification: Likely benign. Last evaluated: 2026-07-01. Review status: criteria provided, single submitter. Criteria: CeGaT Center For Human Genetics Tuebingen Variant Classification Criteria Version 2. Collection method: clinical testing. Allele origin: germline. Affected: yes. Observed: 32 variant alleles.
Comment: TSC2: BP4, BS2

Labcorp Genetics (formerly Invitae), Labcorp
Classification: Benign for Tuberous sclerosis 2. Last evaluated: 2026-02-03. Review status: criteria provided, single submitter. Criteria: Invitae Variant Classification Sherloc (09022015). Collection method: clinical testing. Allele origin: germline.

Blueprint Genetics
Classification: Likely benign. Last evaluated: 2024-11-26. Review status: criteria provided, single submitter. Criteria: ACMG Guidelines, 2015. Collection method: clinical testing. Allele origin: germline.

Myriad Genetics, Inc.
Classification: Benign for Tuberous sclerosis 2. Last evaluated: 2023-10-09. Review status: criteria provided, single submitter. Criteria: Myriad Autosomal Dominant, Autosomal Recessive and X-Linked Classification Criteria (2023). Collection method: clinical testing. Allele origin: unknown.
Comment: This variant is considered benign. This variant has been observed at a population frequency that is significantly greater than expected given the associated disease prevalence and penetrance. Homozygosity has been confirmed in one or more individuals. As homozygosity for pathogenic variants in this gene is generally assumed to result in embryonic lethality, this variant is unlikely to be pathogenic.

Color Diagnostics, LLC DBA Color Health
Classification: Likely benign for Tuberous sclerosis syndrome. Last evaluated: 2022-08-31. Review status: criteria provided, single submitter. Criteria: ACMG Guidelines, 2015. Collection method: clinical testing. Allele origin: germline.

Genome-Nilou Lab
Classification: Benign for Tuberous sclerosis 2. Last evaluated: 2021-11-07. Review status: criteria provided, single submitter. Criteria: ACMG Guidelines, 2015. Collection method: clinical testing. Allele origin: germline. Affected: no.

Institute for Clinical Genetics, University Hospital TU Dresden, University Hospital TU Dresden
Classification: Likely benign. Last evaluated: 2021-11-03. Review status: criteria provided, single submitter. Criteria: ACMG Guidelines, 2015. Collection method: clinical testing. Allele origin: germline.

Sema4
Classification: Likely benign for Hereditary cancer-predisposing syndrome. Last evaluated: 2021-08-02. Review status: criteria provided, single submitter. Criteria: Sema4 Curation Guidelines. Collection method: curation. Allele origin: germline.

Laboratory for Molecular Medicine, Mass General Brigham Personalized Medicine
Classification: Likely benign. Last evaluated: 2020-07-01. Review status: criteria provided, single submitter. Criteria: LMM Criteria. Collection method: clinical testing. Allele origin: germline. Observed: 1 variant allele.
Comment: The p.Ala357Val variant in TSC2 has been reported in 2 individuals with Tuberous Sclerosis-2 (Peron 2018 PMID: 29432982). It has also been identified in 0.092% (23/25098) (1 homozygote) Finnish chromosomes by gnomAD. This variant has also been reported in ClinVar (Variation ID 41724). Functional studies indicate that this variant may not impact protein function (Hoogevenn-Westerveld 2011 PMID: 21309039). However, this in vitro assay may not accurately represent biological function. In addition, computational prediction tools and conservation analysis suggest that the Ala357Val variant may not impact the protein, though this information is not predictive enough to rule out pathogenicity. In summary, while the clinical significance of this variant is uncertain, its frequency suggests that it is more likely to be benign. ACMG/AMP Criteria applied: PS4_Moderate, BS1_Supporting.

GeneDx
Classification: Benign. Last evaluated: 2020-06-09. Review status: criteria provided, single submitter. Criteria: GeneDx Variant Classification Process June 2021. Collection method: clinical testing. Allele origin: germline. Affected: yes.
Comment: This variant is associated with the following publications: (PMID: 21309039, 22703879, 23514105, 24728327, 22558107, 25801821, 24356096, 24631838, 22885699, 26580448, 29432982)

Mayo Clinic Laboratories, Mayo Clinic
Classification: Benign. Last evaluated: 2019-04-04. Review status: criteria provided, single submitter. Criteria: ACMG Guidelines, 2015. Collection method: clinical testing. Allele origin: germline. Observed: 3 variant alleles.

Genomic Research Center, Shahid Beheshti University of Medical Sciences
Classification: Uncertain significance for Tuberous sclerosis 2. Last evaluated: 2018-08-07. Review status: criteria provided, single submitter. Criteria: ACMG Guidelines, 2015. Collection method: clinical testing. Allele origin: inherited. Affected: yes. Observed: 1 variant allele.

Genomic Research Center, Shahid Beheshti University of Medical Sciences
Classification: Uncertain significance for Focal cortical dysplasia type II. Last evaluated: 2018-08-07. Review status: criteria provided, single submitter. Criteria: ACMG Guidelines, 2015. Collection method: clinical testing. Allele origin: inherited. Affected: yes. Observed: 1 variant allele.

Eurofins Ntd Llc (ga)
Classification: Likely benign. Last evaluated: 2016-10-31. Review status: criteria provided, single submitter. Criteria: EGL Classification Definitions 2015. Collection method: clinical testing. Allele origin: germline. Observed: 1 variant allele, 1 heterozygote.

Ambry Genetics
Classification: Benign for Hereditary cancer-predisposing syndrome. Last evaluated: 2015-11-19. Review status: criteria provided, single submitter. Criteria: Ambry Variant Classification Scheme 2023. Collection method: clinical testing. Allele origin: germline.

ITMI
No classification provided. Condition: AllHighlyPenetrant. Last evaluated: 2013-09-19. Review status: no classification provided. Collection method: reference population. Allele origin: germline. Not counted in ClinVar's aggregate classification.
Comment: Please see associated publication for description of ethnicities

Biesecker Lab/Clinical Genomics Section, National Institutes of Health
Classification: Uncertain significance. Last evaluated: 2012-07-13. Review status: no assertion criteria provided. Collection method: research. Allele origin: germline. Affected: no. Observed: 2 variant alleles. Study: ClinSeq. Not counted in ClinVar's aggregate classification.
ClinVar note: Converted during submission from variant of unknown significance to Uncertain significance.

Clinical Genetics, Academic Medical Center
Classification: Likely benign. Review status: no assertion criteria provided. Collection method: clinical testing. Allele origin: germline. Affected: yes. Study: VKGL Data-share Consensus. Not counted in ClinVar's aggregate classification.

Dr. Peter K. Rogan Lab, Western University
No classification provided (evidence only). Condition: Melanoma. Review status: no classification provided. Collection method: in vitro. Allele origin: not applicable. Functional consequence: skipped exon. Not counted in ClinVar's aggregate classification.

Dr. Peter K. Rogan Lab, Western University
No classification provided (evidence only). Condition: Colorectal cancer. Review status: no classification provided. Collection method: in vitro. Allele origin: not applicable. Functional consequence: skipped exon. Not counted in ClinVar's aggregate classification.

Dr. Peter K. Rogan Lab, Western University
No classification provided (evidence only). Condition: Uterine corpus endometrial carcinoma. Review status: no classification provided. Collection method: in vitro. Allele origin: not applicable. Functional consequence: skipped exon. Not counted in ClinVar's aggregate classification.

Dr. Peter K. Rogan Lab, Western University
No classification provided (evidence only). Condition: Cervical cancer. Review status: no classification provided. Collection method: in vitro. Allele origin: not applicable. Functional consequence: skipped exon, retained intron. Not counted in ClinVar's aggregate classification.

Dr. Peter K. Rogan Lab, Western University
No classification provided (evidence only). Condition: Ovarian serous cystadenocarcinoma. Review status: no classification provided. Collection method: in vitro. Allele origin: not applicable. Functional consequence: retained intron. Not counted in ClinVar's aggregate classification.

Laboratory of Diagnostic Genome Analysis, Leiden University Medical Center (LUMC)
Classification: Likely benign. Review status: no assertion criteria provided. Collection method: clinical testing. Allele origin: germline. Affected: yes. Study: VKGL Data-share Consensus. Not counted in ClinVar's aggregate classification.

Tuberous sclerosis database (TSC2)
No classification provided. Condition: TSC. Review status: no classification provided. Criteria: Tuberous Sclerosis Database Assertion Criteria 2015. Collection method: curation. Allele origin: germline. Affected: yes. Not counted in ClinVar's aggregate classification.

Literature cited by the submitters: PubMed 22903760 (cited by Laboratory for Molecular Medicine, Mass General Brigham Personalized Medicine); PubMed 21309039 (cited by Laboratory for Molecular Medicine, Mass General Brigham Personalized Medicine); PubMed 24728327 (cited by ITMI).